The following is an entry in ClinVar:

NM_000784.4(CYP27A1):c.53dup (p.Gly19fs)

Gene: CYP27A1 (cytochrome P450 family 27 subfamily A member 1; plus strand). Cytogenetic location: 2q35.
Variant type: Duplication.
Coding change: c.53dup on transcript NM_000784.4 (MANE Select); coding-DNA position 53, one base duplicated (G; older notation c.53dupG).
Protein change: p.Gly19fs; shifts the reading frame from glycine 19.
Molecular consequence: frameshift variant.
Genome position (GRCh38, 1-based): chr2:218,782,235, G duplicated. VCF-style (leftmost placement, unchanged base first): chr2-218782234-C-CG. GRCh37 (hg19) VCF-style: chr2-219646957-C-CG.
Other names: short protein forms G19fs.
Identifiers: ClinVar variation 5012013 (VCV005012013.1).

ClinVar aggregate classification (germline): Pathogenic (1 of 4 stars; one submission).

Conditions:
Cholestanol storage disease (CTX). Also called: CEREBRAL CHOLESTERINOSIS; Cerebrotendinous Xanthomatosis; CTX: Cerebrotendinous xanthomatosis. Identifiers: Orphanet 909, MedGen C0238052, MONDO:0008948, OMIM 213700.

Submission:

Myriad Genetics, Inc.
Classification: Pathogenic for Cholestanol storage disease. Last evaluated: 2023-09-27. Review status: criteria provided, single submitter. Criteria: Myriad Autosomal Dominant, Autosomal Recessive and X-Linked Classification Criteria (2023). Collection method: clinical testing. Allele origin: unknown.
Comment: NM_000784.3(CYP27A1):c.53dupG(G19Wfs*162) is expected to be pathogenic in the context of cerebrotendinous xanthomatosis. This variant is predicted to lead to an abnormal or absent protein product due to the creation of a premature termination codon in CYP27A1, a gene where loss-of-function variants are known to be pathogenic. Please note: this variant was assessed in the context of healthy population screening.